The following is an entry in ClinVar:

ClinVar aggregate classification (germline): Pathogenic/Likely pathogenic. Review status: criteria provided, multiple submitters, no conflicts (2 of 4 stars). 2 submissions from 2 submitters: Pathogenic (1); Likely pathogenic (1). Last evaluated 2022-12-30.

Submissions (2):

Labcorp Genetics (formerly Invitae), Labcorp
Classification: Pathogenic. Last evaluated: 2022-12-30. Review status: criteria provided, single submitter. Criteria: Invitae Variant Classification Sherloc (09022015). Collection method: clinical testing. Allele origin: germline.
Comment: For these reasons, this variant has been classified as Pathogenic. This variant has not been reported in the literature in individuals affected with OTOG-related conditions. This variant is not present in population databases (gnomAD no frequency). This sequence change creates a premature translational stop signal (p.Asp959Glyfs*40) in the OTOG gene. It is expected to result in an absent or disrupted protein product. Loss-of-function variants in OTOG are known to be pathogenic (PMID: 23122587).

Mayo Clinic Laboratories, Mayo Clinic
Classification: Likely pathogenic. Last evaluated: 2021-09-03. Review status: criteria provided, single submitter. Criteria: ACMG Guidelines, 2015. Collection method: clinical testing. Allele origin: germline. Observed: 1 variant allele.
Comment: PM2_moderate, PVS1

Literature cited by the submitters: PubMed 23122587 (cited by Labcorp Genetics (formerly Invitae), Labcorp).

NM_001292063.2(OTOG):c.2839dup (p.Asp947fs)

Gene: OTOG (otogelin; plus strand). Cytogenetic location: 11p15.1.
Variant type: Duplication.
Coding change: c.2839dup on transcript NM_001292063.2 (MANE Select); coding-DNA position 2839, one base duplicated (G; older notation c.2839dupG).
Protein change: p.Asp947fs; shifts the reading frame from aspartic acid 947.
Molecular consequence: frameshift variant.
Genome position (GRCh38, 1-based): chr11:17,586,553, G duplicated; the last of 4 consecutive G bases (chr11:17,586,550-17,586,553); duplicating any one gives the same sequence. VCF-style (leftmost placement, unchanged base first): chr11-17586549-T-TG. GRCh37 (hg19) VCF-style: chr11-17608096-T-TG.
Other names: p.Asp959Glyfs*40; c.2875dupG (NM_001277269.1); c.2875dup, p.Asp959fs (NM_001277269.2); short protein forms D959fs, D947fs.
Identifiers: ClinVar variation 2976972 (VCV002976972.2), dbSNP rs1319111806, ClinGen allele CA597669102.